The following is an entry in ClinVar:

ClinVar aggregate classification (germline): Likely benign. Review status: criteria provided, multiple submitters, no conflicts (2 of 4 stars). 3 submissions from 3 submitters: Likely benign (3). Last evaluated 2024-07-08.

Allele frequency attached by ClinVar (database versions not stated): gnomAD exomes 0.00008; ExAC 0.00010; gnomAD 0.00011; TOPMed 0.00011; ESP Exome Variant Server 0.00033.

Submissions (3):

Blueprint Genetics
Classification: Likely benign. Last evaluated: 2024-07-08. Review status: criteria provided, single submitter. Criteria: ACMG Guidelines, 2015. Collection method: clinical testing. Allele origin: germline.

CeGaT Center for Human Genetics Tuebingen
Classification: Likely benign. Last evaluated: 2023-06-01. Review status: criteria provided, single submitter. Criteria: CeGaT Center For Human Genetics Tuebingen Variant Classification Criteria Version 2. Collection method: clinical testing. Allele origin: germline. Affected: yes. Observed: 1 variant allele.
Comment: ASXL3: BS2

GeneDx
Classification: Likely benign. Last evaluated: 2021-02-23. Review status: criteria provided, single submitter. Criteria: GeneDx Variant Classification Process June 2021. Collection method: clinical testing. Allele origin: germline. Affected: yes.

NM_030632.3(ASXL3):c.3889C>T (p.Pro1297Ser)

Gene: ASXL3 (ASXL transcriptional regulator 3; plus strand). Cytogenetic location: 18q12.1.
Variant type: single nucleotide variant.
Coding change: c.3889C>T on transcript NM_030632.3 (MANE Select); coding-DNA position 3889, C replaced by T.
Protein change: p.Pro1297Ser; replaces proline 1297 with serine.
Molecular consequence: missense variant.
Genome position (GRCh38, 1-based): chr18:33,743,737, C>T. VCF-style: chr18-33743737-C-T. GRCh37 (hg19) VCF-style: chr18-31323701-C-T.
Other names: short protein forms P1297S.
Identifiers: ClinVar variation 1204081 (VCV001204081.28), dbSNP rs199567114, ClinGen allele CA8934134.